The following is an entry in ClinVar:

NM_001379500.1(COL18A1):c.107-12095C>T

Gene: COL18A1 (collagen type XVIII alpha 1 chain; plus strand). Cytogenetic location: 21q22.3.
Variant type: single nucleotide variant.
Coding change: c.107-12095C>T on transcript NM_001379500.1 (MANE Select); 12095 bases into the intron before coding-DNA position 107, C replaced by T.
Molecular consequence: intron variant. On other transcripts: missense variant (2).
Genome position (GRCh38, 1-based): chr21:45,456,147, C>T. VCF-style: chr21-45456147-C-T. GRCh37 (hg19) VCF-style: chr21-46876061-C-T.
Other names: c.617C>T, p.Thr206Met (NM_030582.4, NM_130444.3); short protein forms T206M.
Identifiers: ClinVar variation 1519192 (VCV001519192.5), dbSNP rs1057181306, ClinGen allele CA10065529.
Genomic context (GRCh38, chr21:45,456,147, plus strand): 5'-GCACCTTGCCTGCACCCACCCCATCGCCTCCCTCCCTGGGCAGGCCCTGGGCACCACTCA[C>T]GGGGCCCTCAGTGCCACCACCATCTTCAGGTAGAGCTTCTCTCTCCTCCTTGCTGGGCGG-3'

ClinVar aggregate classification (germline): Uncertain significance (1 of 4 stars; one submission).

Allele frequency attached by ClinVar (database versions not stated): gnomAD 0.00001; ExAC 0.00002; TOPMed 0.00002.
gnomAD v4.1: 15 of 1,583,962 alleles (0.00095%); highest among the groups gnomAD compares: East Asian, 0.0023%; no homozygotes.

Submission:

Labcorp Genetics (formerly Invitae), Labcorp
Classification: Uncertain significance. Last evaluated: 2024-10-15. Review status: criteria provided, single submitter. Criteria: Invitae Variant Classification Sherloc (09022015). Collection method: clinical testing. Allele origin: germline.
Comment: The COL18A1 gene has multiple clinically relevant transcripts. This variant occurs in alternate transcript NM_030582.4, and corresponds to NM_130445.2:c.107-12095C>T in the primary transcript. This sequence change replaces threonine, which is neutral and polar, with methionine, which is neutral and non-polar, at codon 206 of the COL18A1 protein (p.Thr206Met). This variant is present in population databases (no rsID available, gnomAD 0.003%). This variant has not been reported in the literature in individuals affected with COL18A1-related conditions. ClinVar contains an entry for this variant (Variation ID: 1519192). Experimental studies and prediction algorithms are not available or were not evaluated, and the functional significance of this variant is currently unknown. Algorithms developed to predict the effect of sequence changes on RNA splicing suggest that this variant is not likely to affect RNA splicing. In summary, the available evidence is currently insufficient to determine the role of this variant in disease. Therefore, it has been classified as a Variant of Uncertain Significance.